The following is an entry in ClinVar:

ClinVar aggregate classification (germline): Uncertain significance (1 of 4 stars; one submission).

Conditions:
Neuropathy, hereditary sensory and autonomic, type 2A (HSAN2A). Also called: ACROOSTEOLYSIS, GIACCAI TYPE; ACROOSTEOLYSIS, NEUROGENIC; WNK1-Related HSAN2 (HSAN2A); MORVAN DISEASE; NEUROPATHY, CONGENITAL SENSORY; NEUROPATHY, HEREDITARY SENSORY RADICULAR, AUTOSOMAL RECESSIVE. Identifiers: Orphanet 970, MedGen C2752089, MONDO:0024309, OMIM 201300.
Generalized epilepsy with febrile seizures plus, type 7 (GEFSP7). Also called: GEFS+, TYPE 7. Identifiers: Orphanet 36387, MedGen C2751778, MONDO:0013470, OMIM 613863.

Allele frequency attached by ClinVar (database versions not stated): gnomAD exomes below 0.00001; ExAC 0.00001; gnomAD 0.00001.
gnomAD v4.1: 4 of 1,443,192 alleles (0.00028%); highest among the groups gnomAD compares: Non-Finnish European, 0.00039%; no homozygotes.

Submission:

Labcorp Genetics (formerly Invitae), Labcorp
Classification: Uncertain significance for Neuropathy, hereditary sensory and autonomic, type 2A; Generalized epilepsy with febrile seizures plus, type 7. Last evaluated: 2023-07-31. Review status: criteria provided, single submitter. Criteria: Invitae Variant Classification Sherloc (09022015). Collection method: clinical testing. Allele origin: germline.
Comment: This sequence change falls in intron 2 of the SCN9A gene. It does not directly change the encoded amino acid sequence of the SCN9A protein. This variant is not present in population databases (gnomAD no frequency). This variant has not been reported in the literature in individuals affected with SCN9A-related conditions. Algorithms developed to predict the effect of sequence changes on RNA splicing suggest that this variant may disrupt the consensus splice site. In summary, the available evidence is currently insufficient to determine the role of this variant in disease. Therefore, it has been classified as a Variant of Uncertain Significance.

NM_001365536.1(SCN9A):c.259-13T>C

Gene: SCN9A (sodium voltage-gated channel alpha subunit 9; minus strand). Cytogenetic location: 2q24.3.
Variant type: single nucleotide variant.
Coding change: c.259-13T>C on transcript NM_001365536.1 (MANE Select); 13 bases into the intron before coding-DNA position 259, T replaced by C.
Molecular consequence: intron variant.
Genome position (GRCh38, 1-based): chr2:166,307,087, A>G on the plus strand (T>C on the coding strand, the complement: SCN9A is on the minus strand). VCF-style: chr2-166307087-A-G. GRCh37 (hg19) VCF-style: chr2-167163597-A-G.
Other names: c.259-13T>C (NM_002977.4).
Identifiers: ClinVar variation 2929613 (VCV002929613.3), dbSNP rs200464271, ClinGen allele CA1944844.